The following is an entry in ClinVar:

ClinVar aggregate classification (germline): Pathogenic (1 of 4 stars; one submission).

Conditions:
Combined immunodeficiency due to LRBA deficiency. Also called: Common variable immunodeficiency 8, with autoimmunity. Identifiers: Orphanet 445018, MedGen C3553512, MONDO:0013863, OMIM 614700.

Submission:

Labcorp Genetics (formerly Invitae), Labcorp
Classification: Pathogenic for Combined immunodeficiency due to LRBA deficiency. Last evaluated: 2022-06-13. Review status: criteria provided, single submitter. Criteria: Invitae Variant Classification Sherloc (09022015). Collection method: clinical testing. Allele origin: germline.
Comment: For these reasons, this variant has been classified as Pathogenic. This variant has not been reported in the literature in individuals affected with LRBA-related conditions. This variant is not present in population databases (gnomAD no frequency). This sequence change creates a premature translational stop signal (p.Lys298Serfs*7) in the LRBA gene. It is expected to result in an absent or disrupted protein product. Loss-of-function variants in LRBA are known to be pathogenic (PMID: 26206937, 26768763).

Literature cited by the submitters: PubMed 26206937; PubMed 26768763.

NM_001364905.1(LRBA):c.893del (p.Lys298fs)

Gene: LRBA (LPS responsive beige-like anchor protein; minus strand). Cytogenetic location: 4q31.3.
Variant type: Deletion.
Coding change: c.893del on transcript NM_001364905.1 (MANE Select); coding-DNA position 893, one base deleted (A; older notation c.893delA).
Protein change: p.Lys298fs; shifts the reading frame from lysine 298.
Molecular consequence: frameshift variant.
Genome position (GRCh38, 1-based): chr4:150,916,402, T deleted on the plus strand (A on the coding strand, the reverse complement: LRBA is on the minus strand); the first of 4 consecutive T bases (chr4:150,916,402-150,916,405); deleting any one gives the same sequence. VCF-style (leftmost placement, unchanged base first): chr4-150916401-CT-C. GRCh37 (hg19) VCF-style: chr4-151837553-CT-C.
Other names: c.890delA, p.Lys298Serfs (NM_001199282.3, NM_006726.5); c.893del, p.Lys298fs (NM_001367550.1); short protein forms K298fs.
Identifiers: ClinVar variation 1415306 (VCV001415306.6), dbSNP rs2149489346, ClinGen allele CA2573138164.